The following is an entry in ClinVar:

NM_000286.3(PEX12):c.126+1G>A

Gene: PEX12 (peroxisomal biogenesis factor 12; minus strand). Cytogenetic location: 17q12.
Variant type: single nucleotide variant.
Coding change: c.126+1G>A on transcript NM_000286.3 (MANE Select); the canonical splice donor site of the intron after coding-DNA position 126, G replaced by A.
Molecular consequence: splice donor variant.
Genome position (GRCh38, 1-based): chr17:35,577,895, C>T on the plus strand (G>A on the coding strand, the complement: PEX12 is on the minus strand). VCF-style: chr17-35577895-C-T. GRCh37 (hg19) VCF-style: chr17-33904914-C-T.
Identifiers: ClinVar variation 1439442 (VCV001439442.6), dbSNP rs144259891, ClinGen allele CA8504980.
Genomic context (GRCh38, chr17:35,577,895, plus strand): 5'-AATTATTCGTTTGTTTTTTACCCAGTTGTCCCTAAAACCTTTCCAAGAATTAATACCTTA[C>T]CTTGACCACATGCTGAAGAGCGGGTCTCACTGCTGTCATTAAACTGTCCTGTGCTACCAC-3'

ClinVar aggregate classification (germline): Pathogenic (1 of 4 stars; one submission).

Conditions:
Peroxisome biogenesis disorder 3A (Zellweger). Also called: Peroxisome biogenesis disorder 3A; PEROXISOMAL BIOGENESIS DISORDER 3A (ZELLWEGER). Identifiers: Orphanet 912, MedGen C3553929, MONDO:0013927, OMIM 614859.

Submission:

Labcorp Genetics (formerly Invitae), Labcorp
Classification: Pathogenic for Peroxisome biogenesis disorder 3A (Zellweger). Last evaluated: 2022-11-01. Review status: criteria provided, single submitter. Criteria: Invitae Variant Classification Sherloc (09022015). Collection method: clinical testing. Allele origin: germline.
Comment: This variant is present in population databases (rs144259891, gnomAD 0.007%). This sequence change affects a donor splice site in intron 1 of the PEX12 gene. It is expected to disrupt RNA splicing. Variants that disrupt the donor or acceptor splice site typically lead to a loss of protein function (PMID: 16199547), and loss-of-function variants in PEX12 are known to be pathogenic (PMID: 9090384, 9632816, 21031596). Disruption of this splice site has been observed in individuals with PEX12-related conditions (PMID: 9792857, 21031596). For these reasons, this variant has been classified as Pathogenic. Algorithms developed to predict the effect of sequence changes on RNA splicing suggest that this variant may disrupt the consensus splice site. ClinVar contains an entry for this variant (Variation ID: 1439442).

Literature cited by the submitters: PubMed 16199547; PubMed 9090384; PubMed 9632816; PubMed 21031596; PubMed 9792857.